The following is an entry in ClinVar:

ClinVar aggregate classification (germline): Likely pathogenic. Review status: criteria provided, multiple submitters, no conflicts (2 of 4 stars). 2 submissions from 2 submitters: Likely pathogenic (2). Last evaluated 2026-09-08.

Conditions:
Fabry disease. Also called: Angiokeratoma corporis diffusum; CERAMIDE TRIHEXOSIDASE DEFICIENCY; GLA DEFICIENCY; HEREDITARY DYSTOPIC LIPIDOSIS; Fabry's disease; ALPHA-GALACTOSIDASE A DEFICIENCY. Identifiers: Orphanet 324, MedGen C0002986, MONDO:0010526, OMIM 301500, HP:0001071. Disease mechanism: loss of function, Fabry disease is due to inactivating mutations in the X-linked GLA gene resulting in deficiency of the enzyme Alpha Galactosidase-A..

Submissions (2):

Genomenon, Inc
Classification: Likely pathogenic for Fabry disease. Last evaluated: 2026-09-08. Review status: criteria provided, single submitter. Criteria: Genomenon Sequence Variant Interpretation Standards - Updated. Collection method: curation. Allele origin: germline. Affected: yes.
Comment: GLA p.Asp234del (c.700_702del) is an in-frame deletion that results in the loss of Aspartic acid at codon 234. This variant has been observed in at least one proband with clinical features consistent with Fabry disease (PMID:29535138;29621274;30988410). It is absent or not present at a significant frequency in gnomAD. In conclusion, we classify GLA p.Asp234del (c.700_702del) as a likely pathogenic variant.

Labcorp Genetics (formerly Invitae), Labcorp
Classification: Likely pathogenic for Fabry disease. Last evaluated: 2023-04-24. Review status: criteria provided, single submitter. Criteria: Invitae Variant Classification Sherloc (09022015). Collection method: clinical testing. Allele origin: germline.
Comment: This variant, c.700_702del, results in the deletion of 1 amino acid(s) of the GLA protein (p.Asp234del), but otherwise preserves the integrity of the reading frame. In summary, the currently available evidence indicates that the variant is pathogenic, but additional data are needed to prove that conclusively. Therefore, this variant has been classified as Likely Pathogenic. This variant disrupts the p.Asp234 amino acid residue in GLA. Other variant(s) that disrupt this residue have been observed in individuals with GLA-related conditions (PMID: 12175777, 15712228), which suggests that this may be a clinically significant amino acid residue. This variant has been observed in individual(s) with Fabry disease (PMID: 19185318, 30988410; Invitae). In at least one individual the variant was observed to be de novo. This variant is not present in population databases (gnomAD no frequency).

Literature cited by the submitters: PubMed 29535138 (cited by Genomenon, Inc); PubMed 29621274 (cited by Genomenon, Inc); PubMed 30988410 (cited by Genomenon, Inc and Labcorp Genetics (formerly Invitae), Labcorp); PubMed 12175777 (cited by Labcorp Genetics (formerly Invitae), Labcorp); PubMed 15712228 (cited by Labcorp Genetics (formerly Invitae), Labcorp); PubMed 19185318 (cited by Labcorp Genetics (formerly Invitae), Labcorp).

NM_000169.3(GLA):c.697GAT[1] (p.Asp234del)

Genes: GLA (galactosidase alpha; minus strand), RPL36A-HNRNPH2 (RPL36A-HNRNPH2 readthrough; plus strand). Cytogenetic location: Xq22.1.
Variant type: Microsatellite.
Coding change: c.697GAT[1] on transcript NM_000169.3 (MANE Select); one copy of the 3-base unit GAT starting at c.697; the reference has two copies in a row; one copy, 3 bases deleted; also written c.700_702del.
Protein change: p.Asp234del; deletes aspartic acid 234.
Molecular consequence: inframe deletion. On other transcripts: non-coding transcript variant (3), intron variant (2).
Genome position (GRCh38, 1-based): chrX:101,398,884-101,398,886, ATC deleted on the plus strand (GAT on the coding strand, the reverse complement: GLA is on the minus strand); deleting any 3 consecutive bases within chrX:101,398,884-101,398,890 gives the same sequence; the position shown is the placement nearest the transcript's 3' end. VCF-style (leftmost placement, unchanged base first): chrX-101398883-AATC-A. GRCh37 (hg19) VCF-style: chrX-100653871-AATC-A.
Other names: c.820GAT[1], p.Asp275del (NM_001406747.1); c.697GAT[1], p.Asp234del (NM_001406748.1); c.300+3431_300+3433del (NM_001199973.2); c.177+7066_177+7068del (NM_001199974.2); c.700_702del (NM_000169.3); short protein forms D234del, D275del.
Identifiers: ClinVar variation 1021971 (VCV001021971.11), dbSNP rs1928194190, ClinGen allele CA2448298202.